The following is an entry in ClinVar:

ClinVar aggregate classification (germline): Likely pathogenic (0 of 4 stars; one submission).

Conditions:
Glycine encephalopathy. Also called: Nonketotic hyperglycinemia; Non-ketotic hyperglycinemia. Identifiers: Orphanet 407, MedGen C0751748, MONDO:0011612, HP:0008288.

Submission:

Juha Muilu Group; Institute for Molecular Medicine Finland (FIMM)
Classification: Likely pathogenic for Non-ketotic hyperglycinemia. Review status: no assertion criteria provided. Collection method: not provided. Allele origin: unknown.
Comment: FinDis database variant: This variant was not found or characterized by our laboratory, data were collected from public sources: see reference
ClinVar note: Converted during submission from probable-pathogenic to Likely pathogenic.

NM_000481.4(AMT):c.139G>T (p.Gly47Trp)

Gene: AMT (aminomethyltransferase; minus strand). Cytogenetic location: 3p21.31.
Variant type: single nucleotide variant.
Coding change: c.139G>T on transcript NM_000481.4 (MANE Select); coding-DNA position 139, G replaced by T.
Protein change: p.Gly47Trp; replaces glycine 47 with tryptophan.
Molecular consequence: missense variant. On other transcripts: non-coding transcript variant (1), intron variant (1).
Genome position (GRCh38, 1-based): chr3:49,422,223, C>A on the plus strand (G>T on the coding strand, the complement: AMT is on the minus strand). VCF-style: chr3-49422223-C-A. GRCh37 (hg19) VCF-style: chr3-49459656-C-A.
Other names: c.139G>T, p.Gly47Trp (NM_001164710.2, NM_001164712.2); c.90+138G>T (NM_001164711.2); short protein forms G47W.
Identifiers: ClinVar variation 56226 (VCV000056226.2), dbSNP rs121964982, ClinGen allele CA263562.